The following is an entry in ClinVar:

ClinVar aggregate classification (germline): Uncertain significance. Review status: criteria provided, multiple submitters, no conflicts (2 of 4 stars). 2 submissions from 2 submitters: Uncertain significance (2). Last evaluated 2025-03-31.

Conditions:
Hereditary cancer-predisposing syndrome. Also called: Neoplastic Syndromes, Hereditary; Hereditary Cancer Syndrome; Hereditary neoplastic syndrome; Tumor predisposition. Identifiers: Orphanet 140162, MedGen C0027672, MeSH D009386, MONDO:0015356.
Gastrointestinal stromal tumor. Also called: Gastrointestinal stromal tumor, somatic; Gastrointestinal stroma tumor. Identifiers: Orphanet 44890, MedGen C0238198, MeSH D046152, MONDO:0011719, OMIM 606764, HP:0100723.

Allele frequency attached by ClinVar (database versions not stated): gnomAD exomes below 0.00001; ExAC 0.00001.
gnomAD v4.1: 2 of 1,614,246 alleles (0.00012%); highest among the groups gnomAD compares: South Asian, 0.0022%; no homozygotes.

Submissions (2):

Ambry Genetics
Classification: Uncertain significance for Hereditary cancer-predisposing syndrome. Last evaluated: 2025-03-31. Review status: criteria provided, single submitter. Criteria: Ambry Variant Classification Scheme 2023. Collection method: clinical testing. Allele origin: germline.
Comment: The p.T59A variant (also known as c.175A>G), located in coding exon 2 of the KIT gene, results from an A to G substitution at nucleotide position 175. The threonine at codon 59 is replaced by alanine, an amino acid with similar properties. This amino acid position is conserved. In addition, this alteration is predicted to be tolerated by in silico analysis. Based on the available evidence, the clinical significance of this variant remains unclear.

Labcorp Genetics (formerly Invitae), Labcorp
Classification: Uncertain significance for Gastrointestinal stromal tumor. Last evaluated: 2024-08-06. Review status: criteria provided, single submitter. Criteria: Invitae Variant Classification Sherloc (09022015). Collection method: clinical testing. Allele origin: germline.
Comment: This sequence change replaces threonine, which is neutral and polar, with alanine, which is neutral and non-polar, at codon 59 of the KIT protein (p.Thr59Ala). This variant is present in population databases (rs747004948, gnomAD 0.003%). This variant has not been reported in the literature in individuals affected with KIT-related conditions. ClinVar contains an entry for this variant (Variation ID: 972510). An algorithm developed to predict the effect of missense changes on protein structure and function outputs the following: PolyPhen-2: "Benign". The alanine amino acid residue is found in multiple mammalian species, which suggests that this missense change does not adversely affect protein function. In summary, the available evidence is currently insufficient to determine the role of this variant in disease. Therefore, it has been classified as a Variant of Uncertain Significance.

NM_000222.3(KIT):c.175A>G (p.Thr59Ala)

Gene: KIT (KIT proto-oncogene, receptor tyrosine kinase; plus strand). Cytogenetic location: 4q12.
Variant type: single nucleotide variant.
Coding change: c.175A>G on transcript NM_000222.3 (MANE Select); coding-DNA position 175, A replaced by G.
Protein change: p.Thr59Ala; replaces threonine 59 with alanine.
Molecular consequence: missense variant.
Genome position (GRCh38, 1-based): chr4:54,695,619, A>G. VCF-style: chr4-54695619-A-G. GRCh37 (hg19) VCF-style: chr4-55561785-A-G.
Other names: c.175A>G, p.Thr59Ala (NM_001093772.2, NM_001385284.1, NM_001385285.1 and 4 more transcripts); short protein forms T59A.
Identifiers: ClinVar variation 972510 (VCV000972510.11), dbSNP rs747004948, ClinGen allele CA2923181.
Genomic context (GRCh38, chr4:54,695,619, plus strand): 5'-ATCCATCCAGGAAAATCAGACTTAATAGTCCGCGTGGGCGACGAGATTAGGCTGTTATGC[A>G]CTGATCCGGGCTTTGTCAAATGGACTTTTGAGATCCTGGATGAAACGAATGAGAATAAGC-3'
Protein context (NP_000213.1, residues 49-69): RVGDEIRLLC[Thr59Ala]DPGFVKWTFE